The following is an entry in ClinVar:

ClinVar aggregate classification (germline): Uncertain significance (1 of 4 stars; one submission).

Conditions:
Charcot-Marie-Tooth disease axonal type 2Z. Also called: CHARCOT-MARIE-TOOTH DISEASE, AXONAL, AUTOSOMAL DOMINANT, TYPE 2Z; CHARCOT-MARIE-TOOTH NEUROPATHY, TYPE 2Z. Identifiers: Orphanet 466768, MedGen C5569025, MONDO:0014736, OMIM 616688.

Submission:

Labcorp Genetics (formerly Invitae), Labcorp
Classification: Uncertain significance for Charcot-Marie-Tooth disease axonal type 2Z. Last evaluated: 2021-09-15. Review status: criteria provided, single submitter. Criteria: Invitae Variant Classification Sherloc (09022015). Collection method: clinical testing. Allele origin: germline.
Comment: This variant, c.2072_2074delinsACC, is a complex sequence change that results in the deletion of 2 and insertion of 2 amino acid(s) in the MORC2 protein (p.Leu691_Val692delinsHisLeu). In summary, the available evidence is currently insufficient to determine the role of this variant in disease. Therefore, it has been classified as a Variant of Uncertain Significance. Experimental studies and prediction algorithms are not available or were not evaluated, and the functional significance of this variant is currently unknown. This variant has not been reported in the literature in individuals affected with MORC2-related conditions. The frequency data for this variant in the population databases is not available, as this variant may be reported as separate entries in the ExAC database.

NM_001303256.3(MORC2):c.2072_2074delinsACC (p.Leu691_Val692delinsHisLeu)

Gene: MORC2 (MORC family CW-type zinc finger 2; minus strand). Cytogenetic location: 22q12.2.
Variant type: Indel.
Coding change: c.2072_2074delinsACC on transcript NM_001303256.3 (MANE Select); coding-DNA positions 2072 to 2074, TGG replaced by ACC.
Protein change: p.Leu691_Val692delinsHisLeu.
Molecular consequence: missense variant.
Genome position (GRCh38, 1-based): chr22:30,934,900-30,934,902, CCA replaced by GGT on the plus strand (TGG replaced by ACC on the coding strand, the reverse complement: MORC2 is on the minus strand). VCF-style: chr22-30934900-CCA-GGT. GRCh37 (hg19) VCF-style: chr22-31330887-CCA-GGT.
Other names: c.2072_2074delinsACC, p.Leu691_Val692delinsHisLeu (NM_001303257.2); c.1886_1888delinsACC, p.Leu629_Val630delinsHisLeu (NM_014941.3).
Identifiers: ClinVar variation 1461951 (VCV001461951.6), dbSNP rs2147248271, ClinGen allele CA2573158174.